The following is an entry in ClinVar:

ClinVar aggregate classification (germline): Uncertain significance (1 of 4 stars; one submission).

Allele frequency attached by ClinVar (database versions not stated): TOPMed below 0.00001; gnomAD 0.00001.
gnomAD v4.1: 5 of 1,613,584 alleles (0.00031%); highest among the groups gnomAD compares: Non-Finnish European, 0.00042%; no homozygotes.

Submission:

Labcorp Genetics (formerly Invitae), Labcorp
Classification: Uncertain significance. Last evaluated: 2023-11-01. Review status: criteria provided, single submitter. Criteria: Invitae Variant Classification Sherloc (09022015). Collection method: clinical testing. Allele origin: germline.
Comment: This sequence change replaces glutamine, which is neutral and polar, with proline, which is neutral and non-polar, at codon 95 of the C8A protein (p.Gln95Pro). This variant is not present in population databases (gnomAD no frequency). This variant has not been reported in the literature in individuals affected with C8A-related conditions. ClinVar contains an entry for this variant (Variation ID: 1391350). An algorithm developed to predict the effect of missense changes on protein structure and function (PolyPhen-2) suggests that this variant¬†is likely to be tolerated. In summary, the available evidence is currently insufficient to determine the role of this variant in disease. Therefore, it has been classified as a Variant of Uncertain Significance.

NM_000562.3(C8A):c.284A>C (p.Gln95Pro)

Gene: C8A (complement C8 alpha chain; plus strand). Cytogenetic location: 1p32.2.
Variant type: single nucleotide variant.
Coding change: c.284A>C on transcript NM_000562.3 (MANE Select); coding-DNA position 284, A replaced by C.
Protein change: p.Gln95Pro; replaces glutamine 95 with proline.
Molecular consequence: missense variant.
Genome position (GRCh38, 1-based): chr1:56,875,061, A>C. VCF-style: chr1-56875061-A-C. GRCh37 (hg19) VCF-style: chr1-57340734-A-C.
Other names: short protein forms Q95P.
Identifiers: ClinVar variation 1391350 (VCV001391350.4), dbSNP rs779209088, ClinGen allele CA340512676.